The following is an entry in ClinVar:

ClinVar aggregate classification (germline): Uncertain significance (1 of 4 stars; one submission).

Conditions:
Nephronophthisis. Also called: Juvenile Nephronophthisis. Identifiers: Orphanet 655, MedGen C0687120, MONDO:0019005, HP:0000090.

Allele frequency attached by ClinVar (database versions not stated): TOPMed 0.00001.
gnomAD v4.1: 11 of 1,563,476 alleles (0.0007%); highest among the groups gnomAD compares: Non-Finnish European, 0.00086%; no homozygotes.

Submission:

Labcorp Genetics (formerly Invitae), Labcorp
Classification: Uncertain significance for Nephronophthisis. Last evaluated: 2022-08-23. Review status: criteria provided, single submitter. Criteria: Invitae Variant Classification Sherloc (09022015). Collection method: clinical testing. Allele origin: germline.
Comment: In summary, the available evidence is currently insufficient to determine the role of this variant in disease. Therefore, it has been classified as a Variant of Uncertain Significance. Algorithms developed to predict the effect of missense changes on protein structure and function are either unavailable or do not agree on the potential impact of this missense change (SIFT: "Deleterious"; PolyPhen-2: "Benign"; Align-GVGD: "Class C0"). ClinVar contains an entry for this variant (Variation ID: 531620). This variant has not been reported in the literature in individuals affected with NPHP3-related conditions. This variant is present in population databases (rs753458157, gnomAD 0.001%). This sequence change replaces glycine, which is neutral and non-polar, with arginine, which is basic and polar, at codon 63 of the NPHP3 protein (p.Gly63Arg).

NM_153240.5(NPHP3):c.187G>C (p.Gly63Arg)

Genes: NPHP3 (nephrocystin 3; minus strand), NPHP3-ACAD11 (NPHP3-ACAD11 readthrough (NMD candidate); minus strand), NPHP3-AS1 (NPHP3 antisense RNA 1; plus strand), LOC129937586 (ATAC-STARR-seq lymphoblastoid silent region 14743; plus strand). Cytogenetic location: 3q22.1.
Variant type: single nucleotide variant.
Coding change: c.187G>C on transcript NM_153240.5 (MANE Select); coding-DNA position 187, G replaced by C.
Protein change: p.Gly63Arg; replaces glycine 63 with arginine.
Molecular consequence: missense variant. On other transcripts: non-coding transcript variant (3).
Genome position (GRCh38, 1-based): chr3:132,722,169, C>G on the plus strand (G>C on the coding strand, the complement: NPHP3 is on the minus strand). VCF-style: chr3-132722169-C-G. GRCh37 (hg19) VCF-style: chr3-132441013-C-G.
Other names: short protein forms G63R.
Identifiers: ClinVar variation 531620 (VCV000531620.11), dbSNP rs753458157, ClinGen allele CA2622692.